The following is an entry in ClinVar:

ClinVar aggregate classification (germline): Pathogenic. Review status: criteria provided, multiple submitters, no conflicts (2 of 4 stars). 5 submissions from 5 submitters: Pathogenic (5). Last evaluated 2025-09-18.

Conditions:
Corticosterone 18-monooxygenase deficiency. Also called: ALDOSTERONE DEFICIENCY DUE TO DEFECT IN STEROID 18-HYDROXYLASE; ALDOSTERONE DEFICIENCY I; CMO I DEFICIENCY; STEROID 18-HYDROXYLASE DEFICIENCY; 18 Hydroxylase deficiency; Aldosterone deficiency due to defect in 18 hydroxylase. Identifiers: Orphanet 427, MedGen C0268293, MONDO:0008751, OMIM 203400. Disease mechanism: loss of function.
CYP11B2-related disorder.
Corticosterone methyl oxidase type II deficiency.
Corticosterone methyloxidase type 2 deficiency. Also called: 18-OXIDASE DEFICIENCY; ALDOSTERONE DEFICIENCY DUE TO DEFICIENCY OF STEROID 18-OXIDASE; ALDOSTERONE DEFICIENCY II; CMO II DEFICIENCY; STEROID 18-OXIDASE DEFICIENCY. Identifiers: Orphanet 427, MedGen C3463917, MONDO:0012524, OMIM 610600. Disease mechanism: loss of function.

Allele frequency attached by ClinVar (database versions not stated): TOPMed 0.00002; gnomAD 0.00002; gnomAD exomes 0.00014.

Submissions (5):

Natera, Inc.
Classification: Pathogenic for Corticosterone methyl oxidase type II deficiency. Last evaluated: 2025-09-18. Review status: criteria provided, single submitter. Criteria: Natera Variant Classification Schema (03/2026). Collection method: clinical testing. Allele origin: germline.
Comment: The c.788T>A variant in CYP11B2 is a missense variant predicted to cause substitution of isoleucine to asparagine at amino acid 263. This variant is rare in the general population with a frequency below the threshold expected for the associated phenotype(s). This variant has been observed in one or more individuals affected with the associated recessive disease, as either homozygous or compound heterozygous with a second variant (PMID: 27125267, 32539318, 33098647). Additionally, this variant has been observed to segregate in affected family members (PMID: 34415991). Computational prediction algorithms indicate this variant is likely to affect gene or protein function. Given the available evidence, this variant is classified as Pathogenic.

3billion
Classification: Pathogenic for Corticosterone 18-monooxygenase deficiency. Last evaluated: 2025-05-22. Review status: criteria provided, single submitter. Criteria: ACMG Guidelines, 2015. Collection method: clinical testing. Allele origin: germline. Affected: yes.
Comment: The variant is observed at an extremely low frequency in the gnomAD v4.1.0 dataset (total allele frequency: 0.012%). Predicted Consequence/Location: Missense variant. The majority of the known disease-causing variants of this gene are variants expected to result in premature termination of the protein. In silico tool predictions suggest damaging effect of the variant on gene or gene product [REVEL: 0.70 (>=0.6, sensitivity 0.68 and specificity 0.92); 3Cnet: 0.90 (> 0.75, sensitivity 0.96 and precision 0.92)]. The same nucleotide change resulting in the same amino acid change has been previously reported as pathogenic/likely pathogenic with strong evidence (ClinVar ID: VCV002136711 /PMID: 27125267). The variant has been reported to be in trans with a pathogenic variant as either compound heterozygous or homozygous in at least 2 similarly affected unrelated individuals (PMID: 33098647). Therefore, this variant is classified as Pathogenic according to the recommendation of ACMG/AMP guideline.

Fulgent Genetics
Classification: Pathogenic for Corticosterone 18-monooxygenase deficiency; Corticosterone methyloxidase type 2 deficiency. Last evaluated: 2024-05-01. Review status: criteria provided, single submitter. Criteria: ACMG Guidelines, 2015. Collection method: clinical testing. Allele origin: germline.

Clinical Biochemistry Laboratory, Health Services Laboratory
Classification: Pathogenic for CYP11B2-related disorder. Last evaluated: 2023-11-20. Review status: criteria provided, single submitter. Criteria: ACMG Guidelines, 2015. Collection method: clinical testing. Allele origin: germline. Affected: yes.
Comment: ACMG:PS2 PM2 PM3 PP3 PP4

Labcorp Genetics (formerly Invitae), Labcorp
Classification: Pathogenic. Last evaluated: 2023-09-15. Review status: criteria provided, single submitter. Criteria: Invitae Variant Classification Sherloc (09022015). Collection method: clinical testing. Allele origin: germline.
Comment: This sequence change replaces isoleucine, which is neutral and non-polar, with asparagine, which is neutral and polar, at codon 263 of the CYP11B2 protein (p.Ile263Asn). This variant is present in population databases (no rsID available, gnomAD 0.0009%). This missense change has been observed in individual(s) with hypoaldosteronism (PMID: 27125267, 29582446, 33098647). In at least one individual the data is consistent with being in trans (on the opposite chromosome) from a pathogenic variant. ClinVar contains an entry for this variant (Variation ID: 2136711). Advanced modeling of protein sequence and biophysical properties (such as structural, functional, and spatial information, amino acid conservation, physicochemical variation, residue mobility, and thermodynamic stability) performed at Invitae indicates that this missense variant is not expected to disrupt CYP11B2 protein function. For these reasons, this variant has been classified as Pathogenic.

Literature cited by the submitters: PubMed 27125267 (cited by 3 submitters); PubMed 32539318 (cited by Natera, Inc.); PubMed 33098647 (cited by 3 submitters); PubMed 34415991 (cited by Natera, Inc.); PubMed 29582446 (cited by Labcorp Genetics (formerly Invitae), Labcorp).

NM_000498.3(CYP11B2):c.788T>A (p.Ile263Asn)

Genes: CYP11B2 (cytochrome P450 family 11 subfamily B member 2; minus strand), LOC106799834 (CYP11B2 recombination region; plus strand). Cytogenetic location: 8q24.3.
Variant type: single nucleotide variant.
Coding change: c.788T>A on transcript NM_000498.3 (MANE Select); coding-DNA position 788, T replaced by A.
Protein change: p.Ile263Asn; replaces isoleucine 263 with asparagine.
Molecular consequence: missense variant.
Genome position (GRCh38, 1-based): chr8:142,914,716, A>T on the plus strand (T>A on the coding strand, the complement: CYP11B2 is on the minus strand). VCF-style: chr8-142914716-A-T. GRCh37 (hg19) VCF-style: chr8-143996132-A-T.
Other names: short protein forms I263N.
Identifiers: ClinVar variation 2136711 (VCV002136711.8), dbSNP rs1160313950, ClinGen allele CA372389102.
Genomic context (GRCh38, chr8:142,914,716, plus strand): 5'-CCCCCATGGTGTCCCTTCCCCATAGCACTGCCCGGGTCCCTGGCCTCACCGTACTGGAAG[A>T]TGCAGTCCCAGGCCTCAAAGTGCTCCTTCCACACCTTGGGGCTGATCCAGCGAGACAGGC-3'
Protein context (NP_000489.3, residues 253-273): WKEHFEAWDC[Ile263Asn]FQYGDNCIQK